The following is an entry in ClinVar:

ClinVar aggregate classification (germline): Uncertain significance (1 of 4 stars; one submission).

Conditions:
CLDN10-related disorder. Also called: CLDN10-related condition.

gnomAD v4.1: 12 of 1,614,036 alleles (0.00074%); highest among the groups gnomAD compares: Non-Finnish European, 0.001%; no homozygotes.

Submission:

PreventionGenetics, part of Exact Sciences
Classification: Uncertain significance for CLDN10-related condition. Last evaluated: 2025-12-17. Review status: criteria provided, single submitter. Criteria: ACMG Guidelines, 2015. Collection method: clinical testing. Allele origin: germline.
Comment: The CLDN10 c.269G>A variant is predicted to result in the amino acid substitution p.Gly90Asp. To our knowledge, this variant has not been reported in the literature. This variant is reported in 0.0018% of alleles in individuals of European (Non-Finnish) descent in gnomAD. At this time, the clinical significance of this variant is uncertain due to the absence of conclusive functional and genetic evidence.

NM_006984.5(CLDN10):c.269G>A (p.Gly90Asp)

Gene: CLDN10 (claudin 10; plus strand). Cytogenetic location: 13q32.1.
Variant type: single nucleotide variant.
Coding change: c.269G>A on transcript NM_006984.5 (MANE Select); coding-DNA position 269, G replaced by A.
Protein change: p.Gly90Asp; replaces glycine 90 with aspartic acid.
Molecular consequence: missense variant.
Genome position (GRCh38, 1-based): chr13:95,560,180, G>A. VCF-style: chr13-95560180-G-A. GRCh37 (hg19) VCF-style: chr13-96212434-G-A.
Other names: c.206G>A, p.Gly69Asp (NM_001160100.2); c.263G>A, p.Gly88Asp (NM_182848.4); short protein forms G88D, G90D, G69D.
Identifiers: ClinVar variation 4977317 (VCV004977317.1).